The following is an entry in ClinVar:

ClinVar aggregate classification (germline): Uncertain significance. Review status: criteria provided, single submitter (1 of 4 stars). 2 submissions from 2 submitters: Uncertain significance (1). 1 of the submissions does not count toward it. Last evaluated 2022-10-04.

Conditions:
Leber congenital amaurosis (LCA). Also called: Leber's amaurosis. Identifiers: Orphanet 65, MedGen C0339527, MeSH D057130, MONDO:0018998.
Leber congenital amaurosis 13 (LCA13). Identifiers: MedGen C2675186, MONDO:0012990, OMIM 612712.

Allele frequency attached by ClinVar (database versions not stated): gnomAD exomes below 0.00001; TOPMed below 0.00001.
gnomAD v4.1: 1 of 1,606,714 alleles (0.000062%); highest among the groups gnomAD compares: Non-Finnish European, 0.000085%; no homozygotes.

Submissions (2):

Labcorp Genetics (formerly Invitae), Labcorp
Classification: Uncertain significance for Leber congenital amaurosis 13. Last evaluated: 2022-10-04. Review status: criteria provided, single submitter. Criteria: Invitae Variant Classification Sherloc (09022015). Collection method: clinical testing. Allele origin: germline.
Comment: This sequence change replaces leucine, which is neutral and non-polar, with phenylalanine, which is neutral and non-polar, at codon 247 of the RDH12 protein (p.Leu247Phe). This variant is present in population databases (no rsID available, gnomAD 0.0009%). This variant has not been reported in the literature in individuals affected with RDH12-related conditions. ClinVar contains an entry for this variant (Variation ID: 989724). Advanced modeling of protein sequence and biophysical properties (such as structural, functional, and spatial information, amino acid conservation, physicochemical variation, residue mobility, and thermodynamic stability) performed at Invitae indicates that this missense variant is not expected to disrupt RDH12 protein function. In summary, the available evidence is currently insufficient to determine the role of this variant in disease. Therefore, it has been classified as a Variant of Uncertain Significance.

Natera, Inc.
Classification: Uncertain significance for Leber congenital amaurosis. Last evaluated: 2020-08-14. Review status: no assertion criteria provided. Collection method: clinical testing. Allele origin: germline. Not counted in ClinVar's aggregate classification.

NM_152443.3(RDH12):c.739C>T (p.Leu247Phe)

Genes: ZFYVE26 (zinc finger FYVE-type containing 26; minus strand), GPHN (gephyrin; plus strand), RDH12 (retinol dehydrogenase 12; plus strand). Cytogenetic location: 14q24.1.
Variant type: single nucleotide variant.
Coding change: c.739C>T on transcript NM_152443.3 (MANE Select); coding-DNA position 739, C replaced by T.
Protein change: p.Leu247Phe; replaces leucine 247 with phenylalanine.
Molecular consequence: missense variant.
Genome position (GRCh38, 1-based): chr14:67,729,271, C>T. VCF-style: chr14-67729271-C-T. GRCh37 (hg19) VCF-style: chr14-68195988-C-T.
Other names: short protein forms L247F.
Identifiers: ClinVar variation 989724 (VCV000989724.6), dbSNP rs1185491186, ClinGen allele CA390153007.